The following is an entry in ClinVar:

ClinVar aggregate classification (germline): Uncertain significance (1 of 4 stars; one submission).

Submission:

GeneDx
Classification: Uncertain significance. Last evaluated: 2026-02-19. Review status: criteria provided, single submitter. Criteria: GeneDx Variant Classification Process June 2021. Collection method: clinical testing. Allele origin: germline.
Comment: Not observed at significant frequency in large population cohorts (gnomAD); Frameshift variant predicted to result in protein truncation or nonsense mediated decay in a gene or region of a gene for which loss of function is not a well-established mechanism of disease; Has not been previously published as pathogenic or benign to our knowledge

NM_001846.4(COL4A2):c.3279_3284delinsGCAAATATAAATTTACCAGGAAG (p.Ile1093_Asp1095delinsMetGlnIleTer)

Gene: COL4A2 (collagen type IV alpha 2 chain; plus strand). Cytogenetic location: 13q34.
Variant type: Indel.
Coding change: c.3279_3284delinsGCAAATATAAATTTACCAGGAAG on transcript NM_001846.4 (MANE Select); coding-DNA positions 3279 to 3284, CGGGGA replaced by GCAAATATAAATTTACCAGGAAG.
Protein change: p.Ile1093_Asp1095delinsMetGlnIleTer.
Molecular consequence: nonsense.
Genome position (GRCh38, 1-based): chr13:110,489,718-110,489,723, CGGGGA replaced by GCAAATATAAATTTACCAGGAAG. VCF-style: chr13-110489718-CGGGGA-GCAAATATAAATTTACCAGGAAG. GRCh37 (hg19) VCF-style: chr13-111142065-CGGGGA-GCAAATATAAATTTACCAGGAAG.
Identifiers: ClinVar variation 5009663 (VCV005009663.1).